The following is an entry in ClinVar:

ClinVar aggregate classification (germline): Uncertain significance (1 of 4 stars; one submission).

Conditions:
Epilepsy, familial adult myoclonic, 5 (EPEO5). Also called: CORTICAL MYOCLONIC TREMOR WITH EPILEPSY, FAMILIAL, 5. Identifiers: Orphanet 86814, MedGen C3809374, MONDO:0014167, OMIM 615400.

Allele frequency attached by ClinVar (database versions not stated): gnomAD exomes below 0.00001.
gnomAD v4.1: 1 of 1,614,168 alleles (0.000062%); highest among the groups gnomAD compares: East Asian, 0.0022%; no homozygotes.

Submission:

Labcorp Genetics (formerly Invitae), Labcorp
Classification: Uncertain significance for Epilepsy, familial adult myoclonic, 5. Last evaluated: 2021-01-29. Review status: criteria provided, single submitter. Criteria: Invitae Variant Classification Sherloc (09022015). Collection method: clinical testing. Allele origin: germline.
Comment: In summary, the available evidence is currently insufficient to determine the role of this variant in disease. Therefore, it has been classified as a Variant of Uncertain Significance. Advanced modeling of protein sequence and biophysical properties (such as structural, functional, and spatial information, amino acid conservation, physicochemical variation, residue mobility, and thermodynamic stability) performed at Invitae indicates that this missense variant is not expected to disrupt CNTN2 protein function. This variant has not been reported in the literature in individuals with CNTN2-related conditions. This variant is not present in population databases (ExAC no frequency). This sequence change replaces alanine with threonine at codon 287 of the CNTN2 protein (p.Ala287Thr). The alanine residue is highly conserved and there is a small physicochemical difference between alanine and threonine.

NM_005076.5(CNTN2):c.859G>A (p.Ala287Thr)

Gene: CNTN2 (contactin 2; plus strand). Cytogenetic location: 1q32.1.
Variant type: single nucleotide variant.
Coding change: c.859G>A on transcript NM_005076.5 (MANE Select); coding-DNA position 859, G replaced by A.
Protein change: p.Ala287Thr; replaces alanine 287 with threonine.
Molecular consequence: missense variant. On other transcripts: non-coding transcript variant (1).
Genome position (GRCh38, 1-based): chr1:205,061,306, G>A. VCF-style: chr1-205061306-G-A. GRCh37 (hg19) VCF-style: chr1-205030434-G-A.
Other names: c.859G>A, p.Ala287Thr (NM_001346083.2); short protein forms A287T.
Identifiers: ClinVar variation 1519377 (VCV001519377.8), dbSNP rs1653966883, ClinGen allele CA344409305.